The following is an entry in ClinVar:

ClinVar aggregate classification (germline): Uncertain significance (1 of 4 stars; one submission).

Allele frequency attached by ClinVar (database versions not stated): gnomAD 0.00001; ExAC 0.00002; TOPMed 0.00002.

Submission:

Labcorp Genetics (formerly Invitae), Labcorp
Classification: Uncertain significance. Last evaluated: 2023-10-03. Review status: criteria provided, single submitter. Criteria: Invitae Variant Classification Sherloc (09022015). Collection method: clinical testing. Allele origin: germline.
Comment: This sequence change replaces arginine, which is basic and polar, with histidine, which is basic and polar, at codon 877 of the KIF20A protein (p.Arg877His). The frequency data for this variant in the population databases is considered unreliable, as metrics indicate poor data quality at this position in the gnomAD database. This variant has not been reported in the literature in individuals affected with KIF20A-related conditions. ClinVar contains an entry for this variant (Variation ID: 1974516). Algorithms developed to predict the effect of missense changes on protein structure and function output the following: SIFT: "Not Available"; PolyPhen-2: "Benign"; Align-GVGD: "Not Available". The histidine amino acid residue is found in multiple mammalian species, which suggests that this missense change does not adversely affect protein function. In summary, the available evidence is currently insufficient to determine the role of this variant in disease. Therefore, it has been classified as a Variant of Uncertain Significance.

NM_005733.3(KIF20A):c.2630G>A (p.Arg877His)

Gene: KIF20A (kinesin family member 20A; plus strand). Cytogenetic location: 5q31.2.
Variant type: single nucleotide variant.
Coding change: c.2630G>A on transcript NM_005733.3 (MANE Select); coding-DNA position 2630, G replaced by A.
Protein change: p.Arg877His; replaces arginine 877 with histidine.
Molecular consequence: missense variant.
Genome position (GRCh38, 1-based): chr5:138,187,370, G>A. VCF-style: chr5-138187370-G-A. GRCh37 (hg19) VCF-style: chr5-137523059-G-A.
Other names: short protein forms R877H.
Identifiers: ClinVar variation 1974516 (VCV001974516.5), dbSNP rs754343932, ClinGen allele CA3426952.
Genomic context (GRCh38, chr5:138,187,370, plus strand): 5'-CACCAACCTGCCAAAGCTCAACAGACTGCAGCCCTTATGCCCGGATCCTACGCTCACGGC[G>A]TTCCCCTTTACTCAAATCTGGGCCTTTTGGCAAAAAGTACTAAGGCTGTGGGGAAAGAGA-3'
Protein context (NP_005724.1, residues 867-887): SPYARILRSR[Arg877His]SPLLKSGPFG